The following is an entry in ClinVar:

NM_005475.3(SH2B3):c.1700C>A (p.Ala567Asp)

Gene: SH2B3 (SH2B adaptor protein 3; plus strand). Cytogenetic location: 12q24.12.
Variant type: single nucleotide variant.
Coding change: c.1700C>A on transcript NM_005475.3 (MANE Select); coding-DNA position 1700, C replaced by A.
Protein change: p.Ala567Asp; replaces alanine 567 with aspartic acid.
Molecular consequence: missense variant.
Genome position (GRCh38, 1-based): chr12:111,448,274, C>A. VCF-style: chr12-111448274-C-A. GRCh37 (hg19) VCF-style: chr12-111886078-C-A.
Other names: c.1094C>A, p.Ala365Asp (NM_001291424.1); short protein forms A365D, A567D.
Identifiers: ClinVar variation 5029517 (VCV005029517.1).

ClinVar aggregate classification (germline): Uncertain significance (1 of 4 stars; one submission).

Conditions:
Inborn genetic diseases. Identifiers: MedGen C0950123, MeSH D030342.

Submission:

Ambry Genetics
Classification: Uncertain significance for Inborn genetic diseases. Last evaluated: 2026-08-31. Review status: criteria provided, single submitter. Criteria: Ambry Variant Classification Scheme 2023. Collection method: clinical testing. Allele origin: germline.
Comment: The p.A567D variant (also known as c.1700C>A), located in coding exon 7 of the SH2B3 gene, results from a C to A substitution at nucleotide position 1700. The alanine at codon 567 is replaced by aspartic acid, an amino acid with dissimilar properties. This amino acid position is conserved. In addition, this alteration is predicted to be deleterious by in silico analysis. Based on the available evidence, the clinical significance of this variant remains unclear.